The following is an entry in ClinVar:

NM_001430.5(EPAS1):c.*512A>G

Gene: EPAS1 (endothelial PAS domain protein 1; plus strand). Cytogenetic location: 2p21.
Variant type: single nucleotide variant.
Coding change: c.*512A>G on transcript NM_001430.5 (MANE Select); 512 bases downstream of the stop codon, A replaced by G.
Molecular consequence: 3 prime UTR variant.
Genome position (GRCh38, 1-based): chr2:46,385,172, A>G. VCF-style: chr2-46385172-A-G. GRCh37 (hg19) VCF-style: chr2-46612311-A-G.
Identifiers: ClinVar variation 898965 (VCV000898965.4), dbSNP rs186340714, ClinGen allele CA46571751.

ClinVar aggregate classification (germline): Benign (1 of 4 stars; one submission).

Conditions:
Erythrocytosis, familial, 4 (ECYT4). Identifiers: Orphanet 247511, MedGen C2673187, MONDO:0012729, OMIM 611783.

Allele frequency attached by ClinVar (database versions not stated): gnomAD exomes 0.00023; gnomAD 0.00068 and 0.00070; TOPMed 0.00088; 1000 Genomes Project 0.00100; 1000 Genomes Project 30x 0.00078.
gnomAD v4.1: 88 of 134,086 alleles (0.066%); highest among the groups gnomAD compares: African/African-American, 0.26%; no homozygotes.

Submission:

Illumina Laboratory Services, Illumina
Classification: Benign for Erythrocytosis, familial, 4. Last evaluated: 2018-01-13. Review status: criteria provided, single submitter. Criteria: ICSL Variant Classification Criteria 13 December 2019. Collection method: clinical testing. Allele origin: germline.
Comment: This variant was observed in the ICSL laboratory as part of a predisposition screen in an ostensibly healthy population. It had not been previously curated by ICSL or reported in the Human Gene Mutation Database (HGMD: prior to June 1st, 2018), and was therefore a candidate for classification through an automated scoring system. Utilizing variant allele frequency, disease prevalence and penetrance estimates, and inheritance mode, an automated score was calculated to assess if this variant is too frequent to cause the disease. Based on the score and internal cut-off values, a variant classified as benign is not then subjected to further curation. The score for this variant resulted in a classification of benign for this disease.